The following is an entry in ClinVar:

ClinVar aggregate classification (germline): Uncertain significance (1 of 4 stars; one submission).

Submission:

Labcorp Genetics (formerly Invitae), Labcorp
Classification: Uncertain significance. Last evaluated: 2023-12-13. Review status: criteria provided, single submitter. Criteria: Invitae Variant Classification Sherloc (09022015). Collection method: clinical testing. Allele origin: germline.
Comment: This sequence change replaces glutamic acid, which is acidic and polar, with glutamine, which is neutral and polar, at codon 1554 of the POLE protein (p.Glu1554Gln). This variant is not present in population databases (gnomAD no frequency). This variant has not been reported in the literature in individuals affected with POLE-related conditions. Advanced modeling of protein sequence and biophysical properties (such as structural, functional, and spatial information, amino acid conservation, physicochemical variation, residue mobility, and thermodynamic stability) performed at Invitae indicates that this missense variant is not expected to disrupt POLE protein function with a negative predictive value of 80%. In summary, the available evidence is currently insufficient to determine the role of this variant in disease. Therefore, it has been classified as a Variant of Uncertain Significance.

NM_006231.4(POLE):c.4660G>C (p.Glu1554Gln)

Gene: POLE (DNA polymerase epsilon, catalytic subunit; minus strand). Cytogenetic location: 12q24.33.
Variant type: single nucleotide variant.
Coding change: c.4660G>C on transcript NM_006231.4 (MANE Select); coding-DNA position 4660, G replaced by C.
Protein change: p.Glu1554Gln; replaces glutamic acid 1554 with glutamine.
Molecular consequence: missense variant.
Genome position (GRCh38, 1-based): chr12:132,642,888, C>G on the plus strand (G>C on the coding strand, the complement: POLE is on the minus strand). VCF-style: chr12-132642888-C-G. GRCh37 (hg19) VCF-style: chr12-133219474-C-G.
Other names: short protein forms E1554Q.
Identifiers: ClinVar variation 2702799 (VCV002702799.3), dbSNP rs143247306, ClinGen allele CA387378944.
Genomic context (GRCh38, chr12:132,642,888, plus strand): 5'-CGAGCAGGAATCGCTGGATGGCTCTGCAGATGGTCTTCAGGTCAGTTTCTGCCCGAACTT[C>G]GAAGGTGTGTTTGGGGGGTGGCAGGAGCTCAGGGCCCACCTTCTCCAGGAGGAGGCCGTG-3'
Protein context (NP_006222.2, residues 1544-1564): ELLPPPKHTF[Glu1554Gln]VRAETDLKTI